The following is an entry in ClinVar:

NM_032520.5(GNPTG):c.53-1G>C

Genes: GNPTG (N-acetylglucosamine-1-phosphate transferase subunit gamma; plus strand), LOC130058158 (ATAC-STARR-seq lymphoblastoid silent region 6972; plus strand). Cytogenetic location: 16p13.3.
Variant type: single nucleotide variant.
Coding change: c.53-1G>C on transcript NM_032520.5 (MANE Select); the canonical splice acceptor site of the intron before coding-DNA position 53, G replaced by C.
Molecular consequence: splice acceptor variant.
Genome position (GRCh38, 1-based): chr16:1,352,101, G>C. VCF-style: chr16-1352101-G-C. GRCh37 (hg19) VCF-style: chr16-1402102-G-C.
Identifiers: ClinVar variation 5019675 (VCV005019675.2).

ClinVar aggregate classification (germline): Likely pathogenic (1 of 4 stars; one submission).

Conditions:
GNPTG-mucolipidosis. Also called: MUCOLIPIDOSIS III, COMPLEMENTATION GROUP C; MUCOLIPIDOSIS III, IRANIAN VARIANT FORM; MUCOLIPIDOSIS III, VARIANT FORM; ML III GAMMA; ML IIIC; Mucolipidosis type III gamma. Identifiers: Orphanet 423470, Orphanet 577, MedGen C1854896, MONDO:0009652, OMIM 252605.

Submission:

Juno Genomics, Hangzhou Juno Genomics, Inc
Classification: Likely pathogenic for GNPTG-mucolipidosis. Review status: criteria provided, single submitter. Criteria: ACMG Guidelines, 2015. Collection method: clinical testing. Allele origin: germline.
Comment: Absent from controls (or at extremely low frequency if recessive) in Genome Aggregation Database.;Null variant in a gene where loss of function (LOF) is a known mechanism of disease.